The following is an entry in ClinVar:

ClinVar aggregate classification (germline): Uncertain significance (1 of 4 stars; one submission).

Conditions:
Multiple congenital anomalies-hypotonia-seizures syndrome 1 (MCAHS1). Also called: PIGN-CDG; Congenital disorder of glycosylation due to PIGN deficiency; GLYCOSYLPHOSPHATIDYLINOSITOL BIOSYNTHESIS DEFECT 3. Identifiers: Orphanet 280633, MedGen C3279775, MONDO:0013563, OMIM 614080.

Allele frequency attached by ClinVar (database versions not stated): gnomAD exomes below 0.00001; TOPMed below 0.00001.
gnomAD v4.1: 2 of 1,527,842 alleles (0.00013%); highest among the groups gnomAD compares: Non-Finnish European, 0.00018%; no homozygotes.

Submission:

Labcorp Genetics (formerly Invitae), Labcorp
Classification: Uncertain significance for Multiple congenital anomalies-hypotonia-seizures syndrome 1. Last evaluated: 2020-09-20. Review status: criteria provided, single submitter. Criteria: Invitae Variant Classification Sherloc (09022015). Collection method: clinical testing. Allele origin: germline.
Comment: This sequence change replaces serine with glycine at codon 764 of the PIGN protein (p.Ser764Gly). The serine residue is moderately conserved and there is a small physicochemical difference between serine and glycine. This variant is not present in population databases (ExAC no frequency). This variant has not been reported in the literature in individuals with PIGN-related conditions. Algorithms developed to predict the effect of missense changes on protein structure and function (SIFT, PolyPhen-2, Align-GVGD) all suggest that this variant is likely to be tolerated, but these predictions have not been confirmed by published functional studies and their clinical significance is uncertain. In summary, the available evidence is currently insufficient to determine the role of this variant in disease. Therefore, it has been classified as a Variant of Uncertain Significance.

NM_176787.5(PIGN):c.2290A>G (p.Ser764Gly)

Gene: PIGN (phosphatidylinositol glycan anchor biosynthesis class N; minus strand). Cytogenetic location: 18q21.33.
Variant type: single nucleotide variant.
Coding change: c.2290A>G on transcript NM_176787.5 (MANE Select); coding-DNA position 2290, A replaced by G.
Protein change: p.Ser764Gly; replaces serine 764 with glycine.
Molecular consequence: missense variant.
Genome position (GRCh38, 1-based): chr18:62,088,836, T>C on the plus strand (A>G on the coding strand, the complement: PIGN is on the minus strand). VCF-style: chr18-62088836-T-C. GRCh37 (hg19) VCF-style: chr18-59756069-T-C.
Other names: c.2290A>G, p.Ser764Gly (NM_012327.6); short protein forms S764G.
Identifiers: ClinVar variation 1011116 (VCV001011116.6), dbSNP rs2033831520, ClinGen allele CA402602151.
Genomic context (GRCh38, chr18:62,088,836, plus strand): 5'-TGTCATCCAGATATAGCTGTCGAAACTGAGTTATATCAGTATTATAAGAGAACTGGATAC[T>C]GGTGAGCTGTGAGATAATAAGAAAAATATTAATGCACAATAACAGTTGGCTTATTTCTAT-3'
Protein context (NP_789744.1, residues 754-774): SGVCCKQKLT[Ser764Gly]IQFSYNTDIT